The following is an entry in ClinVar:

ClinVar aggregate classification (germline): Uncertain significance. Review status: criteria provided, multiple submitters, no conflicts (2 of 4 stars). 2 submissions from 2 submitters: Uncertain significance (2). Last evaluated 2017-06-02.

Conditions:
Autosomal recessive limb-girdle muscular dystrophy type 2J (LGMDR10). Also called: Limb-girdle muscular dystrophy, type 2J; MUSCULAR DYSTROPHY, LIMB-GIRDLE, AUTOSOMAL RECESSIVE 10. Identifiers: Orphanet 140922, MedGen C1837342, MONDO:0012127, OMIM 608807.
Dilated cardiomyopathy 1G (CMD1G). Identifiers: Orphanet 154, MedGen C1858763, MONDO:0011400, OMIM 604145.
Cardiovascular phenotype. Identifiers: MedGen CN230736.

Allele frequency attached by ClinVar (database versions not stated): gnomAD 0.00001; gnomAD exomes 0.00001; TOPMed 0.00001; ExAC 0.00003.
gnomAD v4.1: 15 of 1,613,750 alleles (0.00093%); highest among the groups gnomAD compares: East Asian, 0.0045%; no homozygotes.

Submissions (2):

Ambry Genetics
Classification: Uncertain significance for Cardiovascular phenotype. Last evaluated: 2017-06-02. Review status: criteria provided, single submitter. Criteria: Ambry Variant Classification Scheme 2023. Collection method: clinical testing. Allele origin: germline.
Comment: The p.R21965Q variant (also known as c.65894G>A), located in coding exon 166 of the TTN gene, results from a G to A substitution at nucleotide position 65894. The arginine at codon 21965 is replaced by glutamine, an amino acid with highly similar properties. This amino acid position is highly conserved in available vertebrate species. In addition, this alteration is predicted to be tolerated by in silico analysis. Since supporting evidence is limited at this time, the clinical significance of this alteration remains unclear.

Labcorp Genetics (formerly Invitae), Labcorp
Classification: Uncertain significance for Dilated cardiomyopathy 1G; Autosomal recessive limb-girdle muscular dystrophy type 2J. Last evaluated: 2017-05-16. Review status: criteria provided, single submitter. Criteria: Invitae Variant Classification Sherloc (09022015). Collection method: clinical testing. Allele origin: germline.

NM_001267550.2(TTN):c.93089G>A (p.Arg31030Gln)

Genes: TTN-AS1 (TTN antisense RNA 1; plus strand), TTN (titin; minus strand). Cytogenetic location: 2q31.2.
Variant type: single nucleotide variant.
Coding change: c.93089G>A on transcript NM_001267550.2 (MANE Select); coding-DNA position 93089, G replaced by A.
Protein change: p.Arg31030Gln; replaces arginine 31030 with glutamine.
Molecular consequence: missense variant.
Genome position (GRCh38, 1-based): chr2:178,548,537, C>T on the plus strand (G>A on the coding strand, the complement: TTN is on the minus strand). VCF-style: chr2-178548537-C-T. GRCh37 (hg19) VCF-style: chr2-179413264-C-T.
Other names: c.88166G>A, p.Arg29389Gln (NM_001256850.1); c.65894G>A, p.Arg21965Gln (NM_003319.4); c.85385G>A, p.Arg28462Gln (NM_133378.4); c.66269G>A, p.Arg22090Gln (NM_133432.3); c.66470G>A, p.Arg22157Gln (NM_133437.4); short protein forms R31030Q, R21965Q, R29389Q, R22090Q, R22157Q, R28462Q.
Identifiers: ClinVar variation 467649 (VCV000467649.7), dbSNP rs766391515, ClinGen allele CA1987359.
Genomic context (GRCh38, chr2:178,548,537, plus strand): 5'-TGATGGATTCGGGCACCACCGTCAAGAAGAGGGGCATCCCACATCAATGTAGCAGATCCC[C>T]GGGTCACATCTTTGAAGGTAATTGGGCCAGGTGGGCCTGGAGTGTCTAGCACTTTCACGG-3'
Protein context (NP_001254479.2, residues 31020-31040): PGPITFKDVT[Arg31030Gln]GSATLMWDAP